The following is an entry in ClinVar:

NM_001374736.1(DST):c.18625A>T (p.Asn6209Tyr)

Gene: DST (dystonin; minus strand). Cytogenetic location: 6p12.1.
Variant type: single nucleotide variant.
Coding change: c.18625A>T on transcript NM_001374736.1 (MANE Select); coding-DNA position 18625, A replaced by T.
Protein change: p.Asn6209Tyr; replaces asparagine 6209 with tyrosine.
Molecular consequence: missense variant.
Genome position (GRCh38, 1-based): chr6:56,511,352, T>A on the plus strand (A>T on the coding strand, the complement: DST is on the minus strand). VCF-style: chr6-56511352-T-A. GRCh37 (hg19) VCF-style: chr6-56376150-T-A.
Other names: c.12268A>T, p.Asn4090Tyr (NM_001144769.5); c.11854A>T, p.Asn3952Tyr (NM_001144770.2); c.18625A>T, p.Asn6209Tyr (NM_001374722.1); c.17665A>T, p.Asn5889Tyr (NM_001374729.1); c.11407A>T, p.Asn3803Tyr (NM_001374730.1); c.18652A>T, p.Asn6218Tyr (NM_001374734.1); c.11734A>T, p.Asn3912Tyr (NM_001386100.1, NM_183380.4); c.10756A>T, p.Asn3586Tyr (NM_015548.5); short protein forms N3803Y, N3586Y, N3912Y, N4090Y, N5889Y, N6209Y, N6218Y, N3952Y.
Identifiers: ClinVar variation 1512044 (VCV001512044.6), dbSNP rs2152477311, ClinGen allele CA364502408.

ClinVar aggregate classification (germline): Uncertain significance (1 of 4 stars; one submission).

Conditions:
Hereditary sensory and autonomic neuropathy type 6. Also called: Neuropathy, hereditary sensory and autonomic, type VI; HSAN VI. Identifiers: Orphanet 314381, MedGen C3539003, MONDO:0013839, OMIM 614653.
Epidermolysis bullosa simplex 3, localized or generalized intermediate, with BP230 deficiency (EBS3). Also called: Epidermolysis bullosa simplex due to BP230 deficiency; Epidermolysis bullosa simplex, autosomal recessive 2. Identifiers: Orphanet 412181, MedGen C3809470, MONDO:0014180, OMIM 615425.

Submission:

Labcorp Genetics (formerly Invitae), Labcorp
Classification: Uncertain significance for Epidermolysis bullosa simplex 3, localized or generalized intermediate, with BP230 deficiency; Hereditary sensory and autonomic neuropathy type 6. Last evaluated: 2021-11-01. Review status: criteria provided, single submitter. Criteria: Invitae Variant Classification Sherloc (09022015). Collection method: clinical testing. Allele origin: germline.
Comment: In summary, the available evidence is currently insufficient to determine the role of this variant in disease. Therefore, it has been classified as a Variant of Uncertain Significance. Experimental studies and prediction algorithms are not available or were not evaluated, and the functional significance of this variant is currently unknown. This variant has not been reported in the literature in individuals affected with DST-related conditions. This variant is not present in population databases (gnomAD no frequency). This sequence change replaces asparagine, which is neutral and polar, with tyrosine, which is neutral and polar, at codon 3586 of the DST protein (p.Asn3586Tyr). The DST gene has multiple clinically relevant transcripts. This variant occurs in alternate transcript NM_015548.4, and corresponds to NM_001723.5:c.*104165A>T in the primary transcript.